The following is an entry in ClinVar:

ClinVar aggregate classification (germline): Uncertain significance (1 of 4 stars; one submission).

Submission:

GeneDx
Classification: Uncertain significance. Last evaluated: 2022-09-27. Review status: criteria provided, single submitter. Criteria: GeneDx Variant Classification Process June 2021. Collection method: clinical testing. Allele origin: germline. Affected: yes.
Comment: Not observed at significant frequency in large population cohorts (gnomAD); In silico analysis supports that this missense variant does not alter protein structure/function; Has not been previously published as pathogenic or benign to our knowledge

NM_021072.4(HCN1):c.403A>G (p.Ile135Val)

Gene: HCN1 (hyperpolarization activated cyclic nucleotide gated potassium channel 1; minus strand). Cytogenetic location: 5p12.
Variant type: single nucleotide variant.
Coding change: c.403A>G on transcript NM_021072.4 (MANE Select); coding-DNA position 403, A replaced by G.
Protein change: p.Ile135Val; replaces isoleucine 135 with valine.
Molecular consequence: missense variant.
Genome position (GRCh38, 1-based): chr5:45,695,691, T>C on the plus strand (A>G on the coding strand, the complement: HCN1 is on the minus strand). VCF-style: chr5-45695691-T-C. GRCh37 (hg19) VCF-style: chr5-45695793-T-C.
Other names: short protein forms I135V.
Identifiers: ClinVar variation 2446330 (VCV002446330.1), dbSNP rs2478643539, ClinGen allele CA359706085.